The following is an entry in ClinVar:

ClinVar aggregate classification (germline): Uncertain significance (1 of 4 stars; one submission).

Allele frequency attached by ClinVar (database versions not stated): gnomAD exomes below 0.00001.

Submission:

Labcorp Genetics (formerly Invitae), Labcorp
Classification: Uncertain significance. Last evaluated: 2023-11-28. Review status: criteria provided, single submitter. Criteria: Invitae Variant Classification Sherloc (09022015). Collection method: clinical testing. Allele origin: germline.
Comment: This sequence change replaces alanine, which is neutral and non-polar, with valine, which is neutral and non-polar, at codon 503 of the RASA2 protein (p.Ala503Val). This variant is not present in population databases (gnomAD no frequency). This variant has not been reported in the literature in individuals affected with RASA2-related conditions. Advanced modeling of protein sequence and biophysical properties (such as structural, functional, and spatial information, amino acid conservation, physicochemical variation, residue mobility, and thermodynamic stability) performed at Invitae indicates that this missense variant is not expected to disrupt RASA2 protein function with a negative predictive value of 80%. In summary, the available evidence is currently insufficient to determine the role of this variant in disease. Therefore, it has been classified as a Variant of Uncertain Significance.

NM_006506.5(RASA2):c.1508C>T (p.Ala503Val)

Gene: RASA2 (RAS p21 protein activator 2; plus strand). Cytogenetic location: 3q23.
Variant type: single nucleotide variant.
Coding change: c.1508C>T on transcript NM_006506.5 (MANE Select); coding-DNA position 1508, C replaced by T.
Protein change: p.Ala503Val; replaces alanine 503 with valine.
Molecular consequence: missense variant.
Genome position (GRCh38, 1-based): chr3:141,577,024, C>T. VCF-style: chr3-141577024-C-T. GRCh37 (hg19) VCF-style: chr3-141295866-C-T.
Other names: c.1508C>T, p.Ala503Val (NM_001303245.3, NM_001303246.3); short protein forms A503V.
Identifiers: ClinVar variation 2839809 (VCV002839809.3), dbSNP rs2478737725, ClinGen allele CA354778954.
Genomic context (GRCh38, chr3:141,577,024, plus strand): 5'-TTTTGTGCATGACATTTCACCATTTTTTTCCTGCAGATGACCCTCATGTTCAGTATTCTG[C>T]AGTGAGCAGCTTTGTATTTCTTCGTTTCTTTGCTGTAGCCGTAGTATCACCTCATACTTT-3'
Protein context (NP_006497.2, residues 493-513): FPNDPHVQYS[Ala503Val]VSSFVFLRFF